The following is an entry in ClinVar:

ClinVar aggregate classification (germline): Uncertain significance. Review status: criteria provided, multiple submitters, no conflicts (2 of 4 stars). 3 submissions from 3 submitters: Uncertain significance (3). Last evaluated 2025-11-19.

Conditions:
Hereditary cancer-predisposing syndrome. Also called: Tumor predisposition; Hereditary Cancer Syndrome; Neoplastic Syndromes, Hereditary; Hereditary neoplastic syndrome. Identifiers: Orphanet 140162, MedGen C0027672, MeSH D009386, MONDO:0015356.
DICER1-related tumor predisposition. Also called: DICER1-related pleuropulmonary blastoma cancer predisposition syndrome; DICER1 syndrome. Identifiers: Orphanet 284343, MedGen C3839822, MONDO:0100216.

Allele frequency attached by ClinVar (database versions not stated): ESP Exome Variant Server 0.00008.

Submissions (3):

Ambry Genetics
Classification: Uncertain significance for Hereditary cancer-predisposing syndrome. Last evaluated: 2025-11-19. Review status: criteria provided, single submitter. Criteria: Ambry Variant Classification Scheme 2023. Collection method: clinical testing. Allele origin: germline.
Comment: The p.A180V variant (also known as c.539C>T), located in coding exon 4 of the DICER1 gene, results from a C to T substitution at nucleotide position 539. The alanine at codon 180 is replaced by valine, an amino acid with similar properties. This amino acid position is highly conserved in available vertebrate species. In addition, the in silico prediction for this alteration is inconclusive. Based on the available evidence, the clinical significance of this variant remains unclear.

Labcorp Genetics (formerly Invitae), Labcorp
Classification: Uncertain significance for DICER1-related tumor predisposition. Last evaluated: 2025-04-03. Review status: criteria provided, single submitter. Criteria: Invitae Variant Classification Sherloc (09022015). Collection method: clinical testing. Allele origin: germline.
Comment: This sequence change replaces alanine, which is neutral and non-polar, with valine, which is neutral and non-polar, at codon 180 of the DICER1 protein (p.Ala180Val). This variant is not present in population databases (gnomAD no frequency). This variant has not been reported in the literature in individuals affected with DICER1-related conditions. ClinVar contains an entry for this variant (Variation ID: 863512). Invitae Evidence Modeling of protein sequence and biophysical properties (such as structural, functional, and spatial information, amino acid conservation, physicochemical variation, residue mobility, and thermodynamic stability) indicates that this missense variant is not expected to disrupt DICER1 protein function with a negative predictive value of 95%. In summary, the available evidence is currently insufficient to determine the role of this variant in disease. Therefore, it has been classified as a Variant of Uncertain Significance.

GeneDx
Classification: Uncertain significance. Last evaluated: 2023-10-04. Review status: criteria provided, single submitter. Criteria: GeneDx Variant Classification Process June 2021. Collection method: clinical testing. Allele origin: germline. Affected: yes.
Comment: Not observed at significant frequency in large population cohorts (gnomAD); In silico analysis supports that this missense variant does not alter protein structure/function; Has not been previously published as pathogenic or benign to our knowledge

NM_177438.3(DICER1):c.539C>T (p.Ala180Val)

Gene: DICER1 (dicer 1, ribonuclease III; minus strand). Cytogenetic location: 14q32.13.
Variant type: single nucleotide variant.
Coding change: c.539C>T on transcript NM_177438.3 (MANE Select); coding-DNA position 539, C replaced by T.
Protein change: p.Ala180Val; replaces alanine 180 with valine.
Molecular consequence: missense variant.
Genome position (GRCh38, 1-based): chr14:95,130,092, G>A on the plus strand (C>T on the coding strand, the complement: DICER1 is on the minus strand). VCF-style: chr14-95130092-G-A. GRCh37 (hg19) VCF-style: chr14-95596429-G-A.
Other names: c.539C>T, p.Ala180Val (NM_001195573.1, NM_001271282.3, NM_001291628.2 and 1 more transcripts); short protein forms A180V.
Identifiers: ClinVar variation 863512 (VCV000863512.13), dbSNP rs375454363, ClinGen allele CA265926371.